The following is an entry in ClinVar:

ClinVar aggregate classification (germline): Likely benign. Review status: criteria provided, multiple submitters, no conflicts (2 of 4 stars). 2 submissions from 2 submitters: Likely benign (2). Last evaluated 2025-07-02.

Allele frequency attached by ClinVar (database versions not stated): gnomAD 0.00001; gnomAD exomes 0.00002 and 0.00001; ExAC 0.00004.
gnomAD v4.1: 17 of 1,613,990 alleles (0.0011%); highest among the groups gnomAD compares: South Asian, 0.0099%; no homozygotes.

Submissions (2):

Labcorp Genetics (formerly Invitae), Labcorp
Classification: Likely benign. Last evaluated: 2025-07-02. Review status: criteria provided, single submitter. Criteria: Invitae Variant Classification Sherloc (09022015). Collection method: clinical testing. Allele origin: germline.

Laboratory for Molecular Medicine, Mass General Brigham Personalized Medicine
Classification: Likely benign. Last evaluated: 2015-02-24. Review status: criteria provided, single submitter. Criteria: LMM Criteria. Collection method: clinical testing. Allele origin: germline. Observed: 1 variant allele.
Comment: p.Tyr165Tyr in exon 3 of CLDN14: This variant is not expected to have clinical significance because it does not alter an amino acid residue and is not located within the splice consensus sequence. It has been identified in 3/16508 South As ian and 1/8642 East Asian chromosomes by the Exome Aggregation Consortium (ExAC; dbSNP rs373672296).

NM_001146079.2(CLDN14):c.495C>T (p.Tyr165=)

Genes: CLDN14 (claudin 14; minus strand), CLDN14-AS1 (CLDN14 antisense RNA 1; plus strand). Cytogenetic location: 21q22.13.
Variant type: single nucleotide variant.
Coding change: c.495C>T on transcript NM_001146079.2 (MANE Select); coding-DNA position 495, C replaced by T.
Protein change: p.Tyr165=; no amino-acid change (tyrosine 165 retained).
Molecular consequence: synonymous variant.
Genome position (GRCh38, 1-based): chr21:36,461,201, G>A on the plus strand (C>T on the coding strand, the complement: CLDN14 is on the minus strand). VCF-style: chr21-36461201-G-A. GRCh37 (hg19) VCF-style: chr21-37833499-G-A.
Other names: c.495C>T, p.Tyr165= (NM_001146077.2, NM_001146078.3, NM_012130.4 and 1 more transcripts).
Identifiers: ClinVar variation 227253 (VCV000227253.5), dbSNP rs373672296, ClinGen allele CA10019247.
Genomic context (GRCh38, chr21:36,461,201, plus strand): 5'-GCAGGACAGGCAAAGCAGGGTGCCACCAATGAGCGAGAGGGACGAGGAGATGAAGCCCAG[G>A]TACAGGGCCTGGCCAATCTCAAACTTCATGCCGCTGGGCAGCAGCGGGTTGTAGAAGTTC-3'
Protein context (NP_001139551.1, residues 155-175): GMKFEIGQAL[Tyr165=]LGFISSSLSL